The following is an entry in ClinVar:

ClinVar aggregate classification (germline): Pathogenic (1 of 4 stars; one submission).

Conditions:
Fanconi anemia complementation group E (FANCE). Also called: FANCE-Related Fanconi Anemia. Identifiers: Orphanet 84, MedGen C3160739, MONDO:0010953, OMIM 600901.

gnomAD v4.1: 2 of 1,614,192 alleles (0.00012%); highest among the groups gnomAD compares: South Asian, 0.0011%; no homozygotes.

Submission:

Labcorp Genetics (formerly Invitae), Labcorp
Classification: Pathogenic for Fanconi anemia complementation group E. Last evaluated: 2022-04-01. Review status: criteria provided, single submitter. Criteria: Invitae Variant Classification Sherloc (09022015). Collection method: clinical testing. Allele origin: germline.
Comment: This sequence change creates a premature translational stop signal (p.Trp132*) in the FANCE gene. It is expected to result in an absent or disrupted protein product. Loss-of-function variants in FANCE are known to be pathogenic (PMID: 11001585, 17924555). This variant is not present in population databases (gnomAD no frequency). This variant has not been reported in the literature in individuals affected with FANCE-related conditions. For these reasons, this variant has been classified as Pathogenic.

Literature cited by the submitters: PubMed 11001585; PubMed 17924555.

NM_021922.3(FANCE):c.396G>A (p.Trp132Ter)

Gene: FANCE (FA complementation group E; plus strand). Cytogenetic location: 6p21.31.
Variant type: single nucleotide variant.
Coding change: c.396G>A on transcript NM_021922.3 (MANE Select); coding-DNA position 396, G replaced by A.
Protein change: p.Trp132Ter; replaces tryptophan 132 with a stop codon.
Molecular consequence: nonsense.
Genome position (GRCh38, 1-based): chr6:35,455,894, G>A. VCF-style: chr6-35455894-G-A. GRCh37 (hg19) VCF-style: chr6-35423671-G-A.
Other names: c.396G>A, p.Trp132Ter (NM_001410876.1); short protein forms W132*.
Identifiers: ClinVar variation 2120238 (VCV002120238.4), dbSNP rs866005940, ClinGen allele CA363772827.